The following is an entry in ClinVar:

ClinVar aggregate classification (germline): Conflicting classifications of pathogenicity. Review status: criteria provided, conflicting classifications (1 of 4 stars). 4 submissions from 4 submitters: Uncertain significance (2); Likely benign (2). Last evaluated 2026-02-02.

Conditions:
Severe combined immunodeficiency due to DNA-PKcs deficiency. Also called: IMMUNODEFICIENCY 26 WITH NEUROLOGIC ABNORMALITIES; Immunodeficiency 26 with or without neurologic abnormalities. Identifiers: Orphanet 317425, MedGen C4014833, MONDO:0014423, OMIM 615966.

Allele frequency attached by ClinVar (database versions not stated): ESP Exome Variant Server 0.00041; 1000 Genomes Project 30x 0.00047; gnomAD 0.00048 and 0.00051; TOPMed 0.00049; 1000 Genomes Project 0.00060; gnomAD exomes 0.00060 and 0.00086; ExAC 0.00064.

Submissions (4):

Labcorp Genetics (formerly Invitae), Labcorp
Classification: Uncertain significance for Severe combined immunodeficiency due to DNA-PKcs deficiency. Last evaluated: 2026-02-02. Review status: criteria provided, single submitter. Criteria: Invitae Variant Classification Sherloc (09022015). Collection method: clinical testing. Allele origin: germline.
Comment: This sequence change replaces leucine, which is neutral and non-polar, with phenylalanine, which is neutral and non-polar, at codon 2402 of the PRKDC protein (p.Leu2402Phe). This variant is present in population databases (rs374403400, gnomAD 0.1%), and has an allele count higher than expected for a pathogenic variant. This variant has not been reported in the literature in individuals affected with PRKDC-related conditions. ClinVar contains an entry for this variant (Variation ID: 440192). Invitae Evidence Modeling of protein sequence and biophysical properties (such as structural, functional, and spatial information, amino acid conservation, physicochemical variation, residue mobility, and thermodynamic stability) indicates that this missense variant is not expected to disrupt PRKDC protein function with a negative predictive value of 80%. In summary, the available evidence is currently insufficient to determine the role of this variant in disease. Therefore, it has been classified as a Variant of Uncertain Significance.

CeGaT Center for Human Genetics Tuebingen
Classification: Likely benign. Last evaluated: 2023-11-01. Review status: criteria provided, single submitter. Criteria: CeGaT Center For Human Genetics Tuebingen Variant Classification Criteria Version 2. Collection method: clinical testing. Allele origin: germline. Affected: yes. Observed: 1 variant allele.
Comment: PRKDC: BP4

Women's Health and Genetics/Laboratory Corporation of America, LabCorp
Classification: Likely benign. Last evaluated: 2022-03-08. Review status: criteria provided, single submitter. Criteria: LabCorp Variant Classification Summary - May 2015. Collection method: clinical testing. Allele origin: germline.
Comment: Variant summary: PRKDC c.7201C>T (p.Leu2401Phe) results in a non-conservative amino acid change in the encoded protein sequence. Four of five in-silico tools predict a damaging effect of the variant on protein function. The variant allele was found at a frequency of 0.0006 in 249276 control chromosomes (gnomAD). This variant is also known as refseq c.7204C>T (p.Leu2402Phe). The observed variant frequency is approximately 2 fold of the estimated maximal expected allele frequency for a pathogenic variant in PRKDC causing Severe Combined Immunodeficiency phenotype (0.00035), strongly suggesting that the variant is benign. c.7201C>T has been reported in the literature in an individual affected with colorectal cancer (Kayser_2018). This report does not provide unequivocal conclusions about association of the variant with Severe Combined Immunodeficiency (specifically Immunodeficiency 26, with or without neurologic abnormalities). To our knowledge, no experimental evidence demonstrating an impact on protein function has been reported. Two clinical diagnostic laboratories have submitted clinical-significance assessments for this variant to ClinVar after 2014 and classified the variant as uncertain significance. Based on the evidence outlined above, the variant was classified as likely benign.

ARUP Laboratories, Molecular Genetics and Genomics, ARUP Laboratories
Classification: Uncertain significance. Last evaluated: 2016-04-06. Review status: criteria provided, single submitter. Criteria: ARUP Molecular Germline Variant Investigation Process. Collection method: clinical testing. Allele origin: germline.

Literature cited by the submitters: PubMed 29987844 (cited by Women's Health and Genetics/Laboratory Corporation of America, LabCorp).

NM_006904.7(PRKDC):c.7204C>T (p.Leu2402Phe)

Gene: PRKDC (protein kinase, DNA-activated, catalytic subunit; minus strand). Cytogenetic location: 8q11.21.
Variant type: single nucleotide variant.
Coding change: c.7204C>T on transcript NM_006904.7 (MANE Select); coding-DNA position 7204, C replaced by T.
Protein change: p.Leu2402Phe; replaces leucine 2402 with phenylalanine.
Molecular consequence: missense variant.
Genome position (GRCh38, 1-based): chr8:47,849,230, G>A on the plus strand (C>T on the coding strand, the complement: PRKDC is on the minus strand). VCF-style: chr8-47849230-G-A. GRCh37 (hg19) VCF-style: chr8-48761791-G-A.
Other names: c.7204C>T, p.Leu2402Phe (NM_001081640.2); short protein forms L2402F.
Identifiers: ClinVar variation 440192 (VCV000440192.39), dbSNP rs374403400, ClinGen allele CA4740158.